The following is an entry in ClinVar:

NM_020988.3(GNAO1):c.828C>T (p.Gly276=)

Gene: GNAO1 (G protein subunit alpha o1; plus strand). Cytogenetic location: 16q13.
Variant type: single nucleotide variant.
Coding change: c.828C>T on transcript NM_020988.3 (MANE Select); coding-DNA position 828, C replaced by T.
Protein change: p.Gly276=; no amino-acid change (glycine 276 retained).
Molecular consequence: synonymous variant.
Genome position (GRCh38, 1-based): chr16:56,351,488, C>T. VCF-style: chr16-56351488-C-T. GRCh37 (hg19) VCF-style: chr16-56385400-C-T.
Identifiers: ClinVar variation 415877 (VCV000415877.55), dbSNP rs199741926, ClinGen allele CA8063998.

ClinVar aggregate classification (germline): Benign/Likely benign. Review status: criteria provided, multiple submitters, no conflicts (2 of 4 stars). 5 submissions from 5 submitters: Benign (1); Likely benign (3). 1 of the submissions does not count toward it. Last evaluated 2026-09-01.

Conditions:
GNAO1-related disorder. Also called: GNAO1-related condition; GNAO1-Related Disorders. Identifiers: MedGen CN381308.
Early-infantile DEE. Also called: Early infantile epileptic encephalopathy with suppression bursts; Early infantile epileptic encephalopathy; Ohtahara syndrome. Identifiers: Orphanet 1934, MedGen C0393706, MONDO:0800491.

Allele frequency attached by ClinVar (database versions not stated): ESP Exome Variant Server 0.00008; TOPMed 0.00022; gnomAD exomes 0.00025; gnomAD 0.00027 and 0.00028; ExAC 0.00028.
gnomAD v4.1: 321 of 1,612,540 alleles (0.02%); highest among the groups gnomAD compares: Admixed American, 0.028%; no homozygotes.

Submissions (8):

CeGaT Center for Human Genetics Tuebingen
Classification: Likely benign. Last evaluated: 2026-09-01. Review status: criteria provided, single submitter. Criteria: CeGaT Center For Human Genetics Tuebingen Variant Classification Criteria Version 2. Collection method: clinical testing. Allele origin: germline. Affected: yes. Observed: 10 variant alleles.
Comment: GNAO1: BP4, BP7

Labcorp Genetics (formerly Invitae), Labcorp
Classification: Likely benign for Early-infantile DEE. Last evaluated: 2026-01-14. Review status: criteria provided, single submitter. Criteria: Invitae Variant Classification Sherloc (09022015). Collection method: clinical testing. Allele origin: germline.

Blueprint Genetics
Classification: Likely benign. Last evaluated: 2024-11-13. Review status: criteria provided, single submitter. Criteria: ACMG Guidelines, 2015. Collection method: clinical testing. Allele origin: germline.

GeneDx
Classification: Benign. Last evaluated: 2020-01-24. Review status: criteria provided, single submitter. Criteria: GeneDx Variant Classification Process June 2021. Collection method: clinical testing. Allele origin: germline. Affected: yes.

PreventionGenetics, part of Exact Sciences
Classification: Likely benign for GNAO1-related condition. Last evaluated: 2022-10-18. Review status: no assertion criteria provided. Collection method: clinical testing. Allele origin: germline. Not counted in ClinVar's aggregate classification.
Comment: This variant is classified as likely benign based on ACMG/AMP sequence variant interpretation guidelines (Richards et al. 2015 PMID: 25741868, with internal and published modifications).

Dr. Peter K. Rogan Lab, Western University
No classification provided (evidence only). Condition: Melanoma. Review status: no classification provided. Collection method: in vitro. Allele origin: not applicable. Functional consequence: retained intron. Not counted in ClinVar's aggregate classification.

Dr. Peter K. Rogan Lab, Western University
No classification provided (evidence only). Condition: Familial cancer of breast. Review status: no classification provided. Collection method: in vitro. Allele origin: not applicable. Functional consequence: skipped exon, retained intron. Not counted in ClinVar's aggregate classification.

Dr. Peter K. Rogan Lab, Western University
No classification provided (evidence only). Condition: Malignant tumor of esophagus. Review status: no classification provided. Collection method: in vitro. Allele origin: not applicable. Functional consequence: retained intron. Not counted in ClinVar's aggregate classification.